The following is an entry in ClinVar:

ClinVar aggregate classification (germline): Pathogenic (1 of 4 stars; one submission).

Conditions:
Epileptic encephalopathy. Identifiers: MedGen C0543888, HP:0200134.

Submission:

Centre for Inherited Metabolic Diseases, Karolinska University Hospital
Classification: Pathogenic for epileptic encephalopathy. Last evaluated: 2024-07-23. Review status: criteria provided, single submitter. Criteria: ACMG Guidelines, 2015. Collection method: clinical testing. Allele origin: de novo. Inheritance: Autosomal dominant inheritance. Affected: yes. Observed: 1 heterozygote.
Comment: The variant is a null variant (PVS1 - strong). The variant is confirmed de novo (PS2). The variant is rare in the healthy population (PM2 - supporting).

NM_001001331.4(ATP2B2):c.3259del (p.Ser1087fs)

Gene: ATP2B2 (ATPase plasma membrane Ca2+ transporting 2; minus strand). Cytogenetic location: 3p25.3.
Variant type: Deletion.
Coding change: c.3259del on transcript NM_001001331.4 (MANE Select); coding-DNA position 3259, one base deleted (A; older notation c.3259delA).
Protein change: p.Ser1087fs; shifts the reading frame from serine 1087.
Molecular consequence: frameshift variant.
Genome position (GRCh38, 1-based): chr3:10,338,337, T deleted on the plus strand (A on the coding strand, the reverse complement: ATP2B2 is on the minus strand). VCF-style (leftmost placement, unchanged base first): chr3-10338336-CT-C. GRCh37 (hg19) VCF-style: chr3-10380020-CT-C.
Other names: c.3124del, p.Ser1042fs (NM_001330611.3, NM_001353564.1, NM_001363862.1 and 1 more transcripts); short protein forms S1042fs, S1087fs.
Identifiers: ClinVar variation 3336824 (VCV003336824.1).